The following is an entry in ClinVar:

ClinVar aggregate classification (germline): Likely benign. Review status: criteria provided, single submitter (1 of 4 stars). 2 submissions from 2 submitters: Likely benign (1). 1 of the submissions does not count toward it. Last evaluated 2025-05-05.

Conditions:
Rubinstein-Taybi syndrome (RSTS). Identifiers: Orphanet 783, MedGen C0035934, MONDO:0019188.
CREBBP-related disorder. Also called: CREBBP-related disorders; CREBBP-related condition.

Allele frequency attached by ClinVar (database versions not stated): gnomAD exomes below 0.00001; TOPMed below 0.00001.
gnomAD v4.1: 2 of 1,614,202 alleles (0.00012%); highest among the groups gnomAD compares: Admixed American, 0.0017%; no homozygotes.

Submissions (2):

Labcorp Genetics (formerly Invitae), Labcorp
Classification: Likely benign for Rubinstein-Taybi syndrome. Last evaluated: 2025-05-05. Review status: criteria provided, single submitter. Criteria: Invitae Variant Classification Sherloc (09022015). Collection method: clinical testing. Allele origin: germline.

PreventionGenetics, part of Exact Sciences
Classification: Likely benign for CREBBP-related condition. Last evaluated: 2022-12-09. Review status: no assertion criteria provided. Collection method: clinical testing. Allele origin: germline. Not counted in ClinVar's aggregate classification.
Comment: This variant is classified as likely benign based on ACMG/AMP sequence variant interpretation guidelines (Richards et al. 2015 PMID: 25741868, with internal and published modifications).

NM_004380.3(CREBBP):c.3573T>C (p.Pro1191=)

Gene: CREBBP (CREB binding lysine acetyltransferase; minus strand). Cytogenetic location: 16p13.3.
Variant type: single nucleotide variant.
Coding change: c.3573T>C on transcript NM_004380.3 (MANE Select); coding-DNA position 3573, T replaced by C.
Protein change: p.Pro1191=; no amino-acid change (proline 1191 retained).
Molecular consequence: synonymous variant.
Genome position (GRCh38, 1-based): chr16:3,757,845, A>G on the plus strand (T>C on the coding strand, the complement: CREBBP is on the minus strand). VCF-style: chr16-3757845-A-G. GRCh37 (hg19) VCF-style: chr16-3807846-A-G.
Other names: c.3459T>C, p.Pro1153= (NM_001079846.1).
Identifiers: ClinVar variation 743792 (VCV000743792.8), dbSNP rs536159666, ClinGen allele CA493394484.